The following is an entry in ClinVar:

ClinVar aggregate classification (germline): Uncertain significance (1 of 4 stars; one submission).

Conditions:
NCOA1-related disorder. Also called: NCOA1-related condition.

Submission:

PreventionGenetics, part of Exact Sciences
Classification: Uncertain significance for NCOA1-related condition. Last evaluated: 2026-05-08. Review status: criteria provided, single submitter. Criteria: ACMG Guidelines, 2015. Collection method: clinical testing. Allele origin: germline.
Comment: The NCOA1 c.2703G>T variant is predicted to result in the amino acid substitution p.Gln901His. To our knowledge, this variant has not been reported in the literature or in a large population database (gnomAD), indicating this variant is rare. At this time, the clinical significance of this variant is uncertain due to the absence of conclusive functional and genetic evidence.

NM_003743.5(NCOA1):c.2703G>T (p.Gln901His)

Gene: NCOA1 (nuclear receptor coactivator 1; plus strand). Cytogenetic location: 2p23.3.
Variant type: single nucleotide variant.
Coding change: c.2703G>T on transcript NM_003743.5 (MANE Select); coding-DNA position 2703, G replaced by T.
Protein change: p.Gln901His; replaces glutamine 901 with histidine.
Molecular consequence: missense variant.
Genome position (GRCh38, 1-based): chr2:24,726,692, G>T. VCF-style: chr2-24726692-G-T. GRCh37 (hg19) VCF-style: chr2-24949561-G-T.
Other names: c.2703G>T, p.Gln901His (NM_001362950.1, NM_001362952.1, NM_001362954.1 and 3 more transcripts); short protein forms Q901H.
Identifiers: ClinVar variation 4996220 (VCV004996220.1).
Genomic context (GRCh38, chr2:24,726,692, plus strand): 5'-ACAACCAGGAACAGGCGATCAGATTCCATGGACAAATAATACAGTGACAGCTATAAATCA[G>T]AGTAAATCAGAAGAGTAAGTAATACATTTTGTATTTTATAAGGTATCAGATACCAACTTC-3'
Protein context (NP_003734.3, residues 891-911): WTNNTVTAIN[Gln901His]SKSEDQCISS